The following is an entry in ClinVar:

ClinVar aggregate classification (germline): Likely benign (0 of 4 stars; one submission).

Conditions:
CUL4B-related disorder. Also called: CUL4B-related condition.

Submission:

PreventionGenetics, part of Exact Sciences
Classification: Likely benign for CUL4B-related condition. Last evaluated: 2024-07-08. Review status: no assertion criteria provided. Collection method: clinical testing. Allele origin: germline.
Comment: This variant is classified as likely benign based on ACMG/AMP sequence variant interpretation guidelines (Richards et al. 2015 PMID: 25741868, with internal and published modifications).

NM_001079872.2(CUL4B):c.576A>G (p.Glu192=)

Gene: CUL4B (cullin 4B; minus strand). Cytogenetic location: Xq24.
Variant type: single nucleotide variant.
Coding change: c.576A>G on transcript NM_001079872.2 (MANE Select); coding-DNA position 576, A replaced by G.
Protein change: p.Glu192=; no amino-acid change (glutamic acid 192 retained).
Molecular consequence: synonymous variant.
Genome position (GRCh38, 1-based): chrX:120,558,020, T>C on the plus strand (A>G on the coding strand, the complement: CUL4B is on the minus strand). VCF-style: chrX-120558020-T-C. GRCh37 (hg19) VCF-style: chrX-119691875-T-C.
Other names: c.591A>G, p.Glu197= (NM_001330624.2); c.42A>G, p.Glu14= (NM_001369145.1); c.630A>G, p.Glu210= (NM_003588.4).
Identifiers: ClinVar variation 3350832 (VCV003350832.1).